The following is an entry in ClinVar:

ClinVar aggregate classification (germline): Likely benign. Review status: criteria provided, multiple submitters, no conflicts (2 of 4 stars). 2 submissions from 2 submitters: Likely benign (2). Last evaluated 2023-12-13.

Conditions:
RYR1-related disorder. Also called: RYR1-related disorders; RYR1-related condition. Identifiers: MedGen CN239331.
Malignant hyperthermia, susceptibility to, 1 (MHS1). Also called: Anesthesia related hyperthermia; Malignant hyperpyrexia; Fulminating hyperpyrexia; Pharmacogenic myopathy; Malignant hyperthermia suceptibility 1; RYR1-Related Malignant Hyperthermia Susceptibility. Identifiers: Orphanet 423, MedGen C2930980, MONDO:0007783, OMIM 145600.

Submissions (2):

All of Us Research Program, National Institutes of Health
Classification: Likely benign for Malignant hyperthermia, susceptibility to, 1. Last evaluated: 2023-12-13. Review status: criteria provided, single submitter. Criteria: ACMG Guidelines, 2015. Collection method: clinical testing. Allele origin: germline. Inheritance: Autosomal dominant inheritance. Observed: 1 variant allele, 1 heterozygote.
Comment: This study involves interpretation of variants in research participants for the purpose of population health screening. Participant phenotype was not available at the time of variant classification. Additional details can be found in publication PMID: 35346344, PMCID: PMC8962531

Labcorp Genetics (formerly Invitae), Labcorp
Classification: Likely benign for RYR1-related disorder. Last evaluated: 2021-09-08. Review status: criteria provided, single submitter. Criteria: Invitae Variant Classification Sherloc (09022015). Collection method: clinical testing. Allele origin: germline.

NM_000540.3(RYR1):c.11817G>A (p.Lys3939=)

Gene: RYR1 (ryanodine receptor 1; plus strand). Cytogenetic location: 19q13.2.
Variant type: single nucleotide variant.
Coding change: c.11817G>A on transcript NM_000540.3 (MANE Select); coding-DNA position 11817, G replaced by A.
Protein change: p.Lys3939=; no amino-acid change (lysine 3939 retained).
Molecular consequence: synonymous variant.
Genome position (GRCh38, 1-based): chr19:38,543,570, G>A. VCF-style: chr19-38543570-G-A. GRCh37 (hg19) VCF-style: chr19-39034210-G-A.
Other names: c.11802G>A, p.Lys3934= (NM_001042723.2).
Identifiers: ClinVar variation 1649089 (VCV001649089.9), dbSNP rs2145775547, ClinGen allele CA507354994.
Genomic context (GRCh38, chr19:38,543,570, plus strand): 5'-ACACCCTACCCGCCCCCACCAGGAATCCATCAGCGACTTCTACTGGTACTACTCGGGCAA[G>A]GATGTCATTGAAGAGCAGGGCAAGAGGAACTTCTCCAAAGCCATGTCGGTGGCTAAGCAG-3'
Protein context (NP_000531.2, residues 3929-3949): ISDFYWYYSG[Lys3939=]DVIEEQGKRN